The following is an entry in ClinVar:

ClinVar aggregate classification (germline): Uncertain significance (1 of 4 stars; one submission).

Submission:

Labcorp Genetics (formerly Invitae), Labcorp
Classification: Uncertain significance. Last evaluated: 2024-11-05. Review status: criteria provided, single submitter. Criteria: Invitae Variant Classification Sherloc (09022015). Collection method: clinical testing. Allele origin: germline.
Comment: This sequence change replaces isoleucine, which is neutral and non-polar, with methionine, which is neutral and non-polar, at codon 215 of the MATN3 protein (p.Ile215Met). This variant is not present in population databases (gnomAD no frequency). This variant has not been reported in the literature in individuals affected with MATN3-related conditions. ClinVar contains an entry for this variant (Variation ID: 2802166). Invitae Evidence Modeling of protein sequence and biophysical properties (such as structural, functional, and spatial information, amino acid conservation, physicochemical variation, residue mobility, and thermodynamic stability) indicates that this missense variant is expected to disrupt MATN3 protein function with a positive predictive value of 80%. In summary, the available evidence is currently insufficient to determine the role of this variant in disease. Therefore, it has been classified as a Variant of Uncertain Significance.

NM_002381.5(MATN3):c.645T>G (p.Ile215Met)

Gene: MATN3 (matrilin 3; minus strand). Cytogenetic location: 2p24.1.
Variant type: single nucleotide variant.
Coding change: c.645T>G on transcript NM_002381.5 (MANE Select); coding-DNA position 645, T replaced by G.
Protein change: p.Ile215Met; replaces isoleucine 215 with methionine.
Molecular consequence: missense variant.
Genome position (GRCh38, 1-based): chr2:20,005,889, A>C on the plus strand (T>G on the coding strand, the complement: MATN3 is on the minus strand). VCF-style: chr2-20005889-A-C. GRCh37 (hg19) VCF-style: chr2-20205650-A-C.
Other names: short protein forms I215M.
Identifiers: ClinVar variation 2802166 (VCV002802166.3), dbSNP rs2103483943, ClinGen allele CA345950669.
Genomic context (GRCh38, chr2:20,005,889, plus strand): 5'-ACTGGCCATCATCTTGAGGGACGCCATGTCTGCCCGGTCCACGCCCACAGCATAGAGCTC[A>C]ATACCAGATGCTTGGGCCCGAGCCGCCACCTCATTCACCTGGTCCTGGGGCCTCCCATCT-3'
Protein context (NP_002372.1, residues 205-225): EVAARAQASG[Ile215Met]ELYAVGVDRA